The following is an entry in ClinVar:

ClinVar aggregate classification (germline): Uncertain significance. Review status: criteria provided, single submitter (1 of 4 stars). 2 submissions from 2 submitters: Uncertain significance (1). 1 of the submissions does not count toward it. Last evaluated 2022-09-27.

Conditions:
Anauxetic dysplasia. Identifiers: Orphanet 93347, MedGen C1846796, MONDO:0011773.
Metaphyseal chondrodysplasia, McKusick type (CHH). Also called: Cartilage-hair hypoplasia; Cartilage-Hair Hypoplasia (CHH). Identifiers: Orphanet 175, MedGen C0220748, MONDO:0009595, OMIM 250250.

Allele frequency attached by ClinVar (database versions not stated): TOPMed 0.00003; gnomAD 0.00005 and 0.00006.
gnomAD v4.1: 104 of 699,148 alleles (0.015%); highest among the groups gnomAD compares: Middle Eastern, 0.11%; 1 homozygote.

Submissions (2):

Labcorp Genetics (formerly Invitae), Labcorp
Classification: Uncertain significance for Anauxetic dysplasia. Last evaluated: 2022-09-27. Review status: criteria provided, single submitter. Criteria: Invitae Variant Classification Sherloc (09022015). Collection method: clinical testing. Allele origin: germline.
Comment: This variant occurs in the RMRP gene, which encodes an RNA molecule that does not result in a protein product. This variant is present in population databases (rs560328768, gnomAD 0.04%). This variant has not been reported in the literature in individuals affected with RMRP-related conditions. ClinVar contains an entry for this variant (Variation ID: 991661). Experimental studies and prediction algorithms are not available or were not evaluated, and the functional significance of this variant is currently unknown. In summary, the available evidence is currently insufficient to determine the role of this variant in disease. Therefore, it has been classified as a Variant of Uncertain Significance.

Natera, Inc.
Classification: Uncertain significance for Cartilage-hair hypoplasia. Last evaluated: 2020-06-08. Review status: no assertion criteria provided. Collection method: clinical testing. Allele origin: germline. Not counted in ClinVar's aggregate classification.

NR_003051.4(RMRP):n.229C>T

Gene: RMRP (RNA component of mitochondrial RNA processing endoribonuclease; minus strand). Cytogenetic location: 9p13.3.
Variant type: single nucleotide variant.
Genome position: GRCh38 VCF-style: chr9-35657791-G-A. GRCh37 (hg19) VCF-style: chr9-35657788-G-A.
Identifiers: ClinVar variation 991661 (VCV000991661.3), dbSNP rs560328768, ClinGen allele CA5045821.
Genomic context (GRCh38, chr9:35,657,791, plus strand): 5'-CGTGGTCTCGGGAACAAAAAACAGCCGCGCTGAGAATGAGCCCCGTGTGGTTGGTGCGCG[G>A]ACACGCACTGCCTGCGTAACTAGAGGGAGCTGACGGATGACGCCCCCGCGCCACGCCGCT-3'